The following is an entry in ClinVar:

NM_033056.4(PCDH15):c.5586G>A (p.Met1862Ile)

Gene: PCDH15 (protocadherin related 15; minus strand). Cytogenetic location: 10q21.1.
Variant type: single nucleotide variant.
Coding change: c.5586G>A on transcript NM_033056.4 (MANE Plus Clinical); coding-DNA position 5586, G replaced by A.
Protein change: p.Met1862Ile; replaces methionine 1862 with isoleucine.
Molecular consequence: missense variant. On other transcripts: intron variant (8).
Genome position (GRCh38, 1-based): chr10:53,822,140, C>T on the plus strand (G>A on the coding strand, the complement: PCDH15 is on the minus strand). VCF-style: chr10-53822140-C-T. GRCh37 (hg19) VCF-style: chr10-55581900-C-T.
Other names: c.4368-1910G>A (NM_001384140.1); c.4373+2996G>A (NM_001142772.2, NM_001142770.3); c.4388+2996G>A (NM_001142771.2); c.4388+5253G>A (NM_001354411.2); c.4409+2996G>A (NM_001142769.3); c.5466G>A, p.Met1822Ile (NM_001142767.2); c.5526G>A, p.Met1842Ile (NM_001142768.2); c.5517G>A, p.Met1839Ile (NM_001142773.2); and 7 more; short protein forms M1793I, M1839I, M1859I, M1862I, M1869I, M1840I, M1822I, M1842I.
Identifiers: ClinVar variation 1472236 (VCV001472236.4), dbSNP rs371762506, ClinGen allele CA5505005.

ClinVar aggregate classification (germline): Uncertain significance. Review status: criteria provided, multiple submitters, no conflicts (2 of 4 stars). 2 submissions from 2 submitters: Uncertain significance (2). Last evaluated 2025-05-07.

Conditions:
Inborn genetic diseases. Identifiers: MedGen C0950123, MeSH D030342.

Allele frequency attached by ClinVar (database versions not stated): gnomAD exomes below 0.00001 and 0.00001; ExAC 0.00001.
gnomAD v4.1: 7 of 1,614,028 alleles (0.00043%); highest among the groups gnomAD compares: East Asian, 0.0045%; no homozygotes.

Submissions (2):

Ambry Genetics
Classification: Uncertain significance for Inborn genetic diseases. Last evaluated: 2025-05-07. Review status: criteria provided, single submitter. Criteria: Ambry Variant Classification Scheme 2023. Collection method: clinical testing. Allele origin: germline.

Labcorp Genetics (formerly Invitae), Labcorp
Classification: Uncertain significance. Last evaluated: 2022-03-10. Review status: criteria provided, single submitter. Criteria: Invitae Variant Classification Sherloc (09022015). Collection method: clinical testing. Allele origin: germline.
Comment: This sequence change replaces methionine, which is neutral and non-polar, with isoleucine, which is neutral and non-polar, at codon 1862 of the PCDH15 protein (p.Met1862Ile). This variant is present in population databases (rs371762506, gnomAD 0.01%). This variant has not been reported in the literature in individuals affected with PCDH15-related conditions. Algorithms developed to predict the effect of missense changes on protein structure and function are either unavailable or do not agree on the potential impact of this missense change (SIFT: "Tolerated"; PolyPhen-2: "Not Available"; Align-GVGD: "Class C0"). In summary, the available evidence is currently insufficient to determine the role of this variant in disease. Therefore, it has been classified as a Variant of Uncertain Significance.